The following is an entry in ClinVar:

NM_033380.3(COL4A5):c.1031_1032+2del

Gene: COL4A5 (collagen type IV alpha 5 chain; plus strand). Cytogenetic location: Xq22.3.
Variant type: Deletion.
Coding change: c.1031_1032+2del on transcript NM_033380.3 (MANE Select); coding-DNA position 1031 through the canonical splice donor site of the intron after coding-DNA position 1032, 4 bases deleted (TTGT; older notation c.1031_1032+2delTTGT).
Molecular consequence: splice donor variant.
Genome position (GRCh38, 1-based): chrX:108,584,524-108,584,527, TTGT deleted. VCF-style (leftmost placement, unchanged base first): chrX-108584523-CTTGT-C. GRCh37 (hg19) VCF-style: chrX-107827753-CTTGT-C.
Other names: c.1031_1032+2del (NM_000495.5).
Identifiers: ClinVar variation 949823 (VCV000949823.7), dbSNP rs2066302717, ClinGen allele CA1139667753.
Genomic context (GRCh38, chrX:108,584,523, plus strand): 5'-TTTTACAATTGCATTGAACAGGGCCAAAAAGGTGACACTGGCCCACCTGGACCTCCTGGA[CTTGT>C]AAGTTTTTTTTTTTTAGTCTTCGTTTATCAAATTTATTAATGCATTATCATTTTTGTGCC-3'

ClinVar aggregate classification (germline): Likely pathogenic (1 of 4 stars; one submission).

Submission:

Labcorp Genetics (formerly Invitae), Labcorp
Classification: Likely pathogenic. Last evaluated: 2019-06-16. Review status: criteria provided, single submitter. Criteria: Invitae Variant Classification Sherloc (09022015). Collection method: clinical testing. Allele origin: germline.
Comment: This variant is a deletion of the genomic region encompassing part of exon 18 (c.1031_1032+2del) of the COL4A5 gene. It is expected to disrupt RNA splicing and likely results in an absent or disrupted protein product. This variant is not present in population databases (ExAC no frequency). This variant has not been reported in the literature in individuals with COL4A5-related conditions. Loss-of-function variants in COL4A5 are known to be pathogenic (PMID: 9195222, 10752524, 14514738, 24854265, 26809805). In summary, the currently available evidence indicates that the variant is pathogenic, but additional data are needed to prove that conclusively. Therefore, this variant has been classified as Likely Pathogenic.

Literature cited by the submitters: PubMed 9195222; PubMed 10752524; PubMed 14514738; PubMed 24854265; PubMed 26809805.